The following is an entry in ClinVar:

ClinVar aggregate classification (germline): Likely pathogenic (1 of 4 stars; one submission).

Conditions:
Arthrogryposis multiplex congenita 6. Identifiers: MedGen C5543431, MONDO:0030281, OMIM 619334.
Nemaline myopathy 2 (NEM2). Also called: Nemaline myopathy 2, autosomal recessive. Identifiers: MedGen C1850569, MONDO:0009725, OMIM 256030.

Submission:

Juno Genomics, Hangzhou Juno Genomics, Inc
Classification: Likely pathogenic for Nemaline myopathy 2; Arthrogryposis multiplex congenita 6. Review status: criteria provided, single submitter. Criteria: ACMG Guidelines, 2015. Collection method: clinical testing. Allele origin: germline.
Comment: Null variant in a gene where loss of function (LOF) is a known mechanism of disease.;Absent from controls (or at extremely low frequency if recessive) in Genome Aggregation Database.

NM_001164508.2(NEB):c.2949dup (p.Tyr984fs)

Gene: NEB (nebulin; minus strand). Cytogenetic location: 2q23.3.
Variant type: Duplication.
Coding change: c.2949dup on transcript NM_001164508.2 (MANE Select); coding-DNA position 2949, one base duplicated (A; older notation c.2949dupA).
Protein change: p.Tyr984fs; shifts the reading frame from tyrosine 984.
Molecular consequence: frameshift variant.
Genome position (GRCh38, 1-based): chr2:151,680,823, T duplicated on the plus strand (A on the coding strand, the reverse complement: NEB is on the minus strand); the first of 6 consecutive T bases (chr2:151,680,823-151,680,828); duplicating any one gives the same sequence. VCF-style (leftmost placement, unchanged base first): chr2-151680822-A-AT. GRCh37 (hg19) VCF-style: chr2-152537336-A-AT.
Other names: c.2949dup, p.Tyr984fs (NM_001164507.2, NM_001271208.2, NM_004543.5); short protein forms Y984fs.
Identifiers: ClinVar variation 5006097 (VCV005006097.2).